The following is an entry in ClinVar:

NM_001349253.2(SCN11A):c.895C>A (p.His299Asn)

Gene: SCN11A (sodium voltage-gated channel alpha subunit 11; minus strand). Cytogenetic location: 3p22.2.
Variant type: single nucleotide variant.
Coding change: c.895C>A on transcript NM_001349253.2 (MANE Select); coding-DNA position 895, C replaced by A.
Protein change: p.His299Asn; replaces histidine 299 with asparagine.
Molecular consequence: missense variant.
Genome position (GRCh38, 1-based): chr3:38,919,999, G>T on the plus strand (C>A on the coding strand, the complement: SCN11A is on the minus strand). VCF-style: chr3-38919999-G-T. GRCh37 (hg19) VCF-style: chr3-38961490-G-T.
Other names: c.895C>A, p.His299Asn (NM_014139.3); short protein forms H299N.
Identifiers: ClinVar variation 2940158 (VCV002940158.3), dbSNP rs2470627635, ClinGen allele CA352171023.

ClinVar aggregate classification (germline): Uncertain significance (1 of 4 stars; one submission).

Conditions:
Hereditary sensory and autonomic neuropathy type 7. Also called: HSAN VII; Neuropathy, hereditary sensory and autonomic, type VII. Identifiers: Orphanet 391397, MedGen C3809882, MONDO:0014244, OMIM 615548.
Familial episodic pain syndrome with predominantly lower limb involvement. Also called: Episodic pain syndrome, familial, 3. Identifiers: Orphanet 391384, Orphanet 391392, MedGen C3809899, MONDO:0014247, OMIM 615552.

Submission:

Labcorp Genetics (formerly Invitae), Labcorp
Classification: Uncertain significance for Familial episodic pain syndrome with predominantly lower limb involvement; Hereditary sensory and autonomic neuropathy type 7. Last evaluated: 2023-12-31. Review status: criteria provided, single submitter. Criteria: Invitae Variant Classification Sherloc (09022015). Collection method: clinical testing. Allele origin: germline.
Comment: This sequence change replaces histidine, which is basic and polar, with asparagine, which is neutral and polar, at codon 299 of the SCN11A protein (p.His299Asn). This variant is not present in population databases (gnomAD no frequency). This variant has not been reported in the literature in individuals affected with SCN11A-related conditions. Algorithms developed to predict the effect of missense changes on protein structure and function output the following: SIFT: "Not Available"; PolyPhen-2: "Benign"; Align-GVGD: "Not Available". The asparagine amino acid residue is found in multiple mammalian species, which suggests that this missense change does not adversely affect protein function. In summary, the available evidence is currently insufficient to determine the role of this variant in disease. Therefore, it has been classified as a Variant of Uncertain Significance.